The following is an entry in ClinVar:

NM_000059.4(BRCA2):c.3211C>T (p.His1071Tyr)

Gene: BRCA2 (BRCA2 DNA repair associated; plus strand). Cytogenetic location: 13q13.1.
Variant type: single nucleotide variant.
Coding change: c.3211C>T on transcript NM_000059.4 (MANE Select); coding-DNA position 3211, C replaced by T.
Protein change: p.His1071Tyr; replaces histidine 1071 with tyrosine.
Molecular consequence: missense variant.
Genome position (GRCh38, 1-based): chr13:32,337,566, C>T. VCF-style: chr13-32337566-C-T. GRCh37 (hg19) VCF-style: chr13-32911703-C-T.
Other names: p.H1071Y:CAT>TAT; short protein forms H1071Y.
Identifiers: ClinVar variation 51424 (VCV000051424.35), dbSNP rs80358564, ClinGen allele CA017559.

ClinVar aggregate classification (germline): Conflicting classifications of pathogenicity. Review status: criteria provided, conflicting classifications (1 of 4 stars). 12 submissions from 12 submitters: Uncertain significance (8); Likely benign (2). 2 of the submissions do not count toward it. Last evaluated 2025-11-22.

Conditions:
Pancreatic cancer, susceptibility to, 2. Identifiers: Orphanet 1333, MedGen C3150546, MONDO:0013235, OMIM 613347.
Glioma susceptibility 3 (GLM3). Also called: Glioblastoma 3. Identifiers: Orphanet 182067, Orphanet 360, MedGen C2751641, MONDO:0013093, OMIM 613029.
Familial prostate cancer. Also called: Hereditary Prostate Cancer. Identifiers: MedGen C2931456, MONDO:0700275, OMIM 176807.
Breast-ovarian cancer, familial, susceptibility to, 2 (BROVCA2). Also called: BRCA2 Hereditary Breast and Ovarian Cancer. Identifiers: Orphanet 145, MedGen C2675520, MONDO:0012933, OMIM 612555. Disease mechanism: loss of function.
Fanconi anemia complementation group D1. Also called: BRCA2-Related Fanconi Anemia. Identifiers: Orphanet 319462, MedGen C1838457, MONDO:0011584, OMIM 605724.
Medulloblastoma (MDB). Also called: Medulloblastoma, somatic; MEDULLOBLASTOMA PREDISPOSITION SYNDROME. Identifiers: Orphanet 616, MedGen C0025149, MeSH D008527, MONDO:0007959, OMIM 155255, HP:0002885.
Wilms tumor 1 (WT1). Also called: Wilms tumor, somatic. Identifiers: Orphanet 654, MedGen CN033288, MONDO:0008679, OMIM 194070.
Familial cancer of breast. Also called: BREAST CANCER, FAMILIAL; hereditary breast carcinoma; Hereditary breast cancer. Identifiers: Orphanet 227535, MedGen C0346153, MONDO:0016419, OMIM 114480. Disease mechanism: loss of function.
Hereditary cancer-predisposing syndrome. Also called: Neoplastic Syndromes, Hereditary; Tumor predisposition; Hereditary Cancer Syndrome; Hereditary neoplastic syndrome. Identifiers: Orphanet 140162, MedGen C0027672, MeSH D009386, MONDO:0015356.
Hereditary breast ovarian cancer syndrome. Also called: Breast and ovarian cancer; Hereditary breast and ovarian cancer; Hereditary breast and ovarian cancer syndrome (HBOC); Hereditary breast and ovarian cancer syndrome; BRCA1- and BRCA2-Associated Hereditary Breast and Ovarian Cancer; Hereditary breast and/or ovarian cancer syndrome. Identifiers: Orphanet 145, MedGen C0677776, MeSH D061325, MONDO:0003582. Disease mechanism: loss of function.

Allele frequency attached by ClinVar (database versions not stated): gnomAD exomes below 0.00001 and 0.00001; TOPMed below 0.00001; ExAC 0.00001; gnomAD 0.00001.
gnomAD v4.1: 5 of 1,606,160 alleles (0.00031%); highest among the groups gnomAD compares: Non-Finnish European, 0.00043%; no homozygotes.

Submissions (12):

Labcorp Genetics (formerly Invitae), Labcorp
Classification: Uncertain significance for Hereditary breast ovarian cancer syndrome. Last evaluated: 2025-11-22. Review status: criteria provided, single submitter. Criteria: Invitae Variant Classification Sherloc (09022015). Collection method: clinical testing. Allele origin: germline.
Comment: This sequence change replaces histidine, which is basic and polar, with tyrosine, which is neutral and polar, at codon 1071 of the BRCA2 protein (p.His1071Tyr). This variant is present in population databases (rs80358564, gnomAD 0.002%). This missense change has been observed in individual(s) with pancreatic cancer (PMID: 32659497). ClinVar contains an entry for this variant (Variation ID: 51424). Invitae Evidence Modeling of protein sequence and biophysical properties (such as structural, functional, and spatial information, amino acid conservation, physicochemical variation, residue mobility, and thermodynamic stability) indicates that this missense variant is not expected to disrupt BRCA2 protein function with a negative predictive value of 95%. In summary, the available evidence is currently insufficient to determine the role of this variant in disease. Therefore, it has been classified as a Variant of Uncertain Significance.

Color Diagnostics, LLC DBA Color Health
Classification: Uncertain significance for Hereditary cancer-predisposing syndrome. Last evaluated: 2025-04-28. Review status: criteria provided, single submitter. Criteria: ACMG Guidelines, 2015. Collection method: clinical testing. Allele origin: germline.
Comment: This missense variant replaces histidine with tyrosine at codon 1071 of the BRCA2 protein. Computational prediction suggests that this variant may not impact protein structure and function. To our knowledge, functional studies have not been reported for this variant. This variant has been reported in an individual affected with pancreatic cancer (PMID: 28767289, 29309945, 32659497). An estimated combined likelihood ratio for 0.906 is reached based on multifactorial analyses reporting likelihood ratios for co-occurrence with a pathogenic variant and personal and family history for 5 carriers (PMID: 31131967, 31853058). This variant has also been identified in 2/245560 chromosomes in the general population by the Genome Aggregation Database (gnomAD) and in 1 woman older than age 70 years with no personal history of cancer (FLOSSIES). The available evidence is insufficient to determine the role of this variant in disease conclusively. Therefore, this variant is classified as a Variant of Uncertain Significance.

Quest Diagnostics Nichols Institute San Juan Capistrano
Classification: Uncertain significance. Last evaluated: 2024-10-21. Review status: criteria provided, single submitter. Criteria: Quest Diagnostics criteria. Collection method: clinical testing. Allele origin: unknown.
Comment: The BRCA2 c.3211C>T (p.His1071Tyr) variant has been reported in the published literature in individuals affected with pancreatic ductal adenocarcinoma (PDAC) (PMID: 28767289 (2017), 29309945 (2018), 32659497 (2020)) and described to be located in a region of the BRCA2 gene that is tolerant to missense sequence changes (PMID: 31911673 (2020)). The frequency of this variant in the general population, 0.0000081 (2/245560 chromosomes (Genome Aggregation Database)), is uninformative in the assessment of its pathogenicity. Analysis of this variant using bioinformatics tools for the prediction of the effect of amino acid changes on protein structure and function yielded predictions that this variant is benign. Based on the available information, we are unable to determine the clinical significance of this variant.

Women's Health and Genetics/Laboratory Corporation of America, LabCorp
Classification: Uncertain significance. Last evaluated: 2024-10-16. Review status: criteria provided, single submitter. Criteria: LabCorp Variant Classification Summary - May 2015. Collection method: clinical testing. Allele origin: germline.
Comment: Variant summary: BRCA2 c.3211C>T (p.His1071Tyr) results in a conservative amino acid change in the encoded protein sequence. Five of five in-silico tools predict a benign effect of the variant on protein function. The variant allele was found at a frequency of 8.1e-06 in 245560 control chromosomes. The available data on variant occurrences in the general population are insufficient to allow any conclusion about variant significance. c.3211C>T has been reported in the literature in an individual affected with pancreatic cancer (Shindo_2017). These report(s) do not provide unequivocal conclusions about association of the variant with Hereditary Breast And Ovarian Cancer Syndrome. To our knowledge, no experimental evidence demonstrating an impact on protein function has been reported. The following publications have been ascertained in the context of this evaluation (PMID: 29309945, 28767289). ClinVar contains an entry for this variant (Variation ID: 51424). Based on the evidence outlined above, the variant was classified as uncertain significance.

Fulgent Genetics
Classification: Uncertain significance for Familial cancer of breast; Medulloblastoma; Familial prostate cancer; Wilms tumor 1; Fanconi anemia complementation group D1; Breast-ovarian cancer, familial, susceptibility to, 2; Glioma susceptibility 3; Pancreatic cancer, susceptibility to, 2. Last evaluated: 2024-05-04. Review status: criteria provided, single submitter. Criteria: ACMG Guidelines, 2015. Collection method: clinical testing. Allele origin: germline.

All of Us Research Program, National Institutes of Health
Classification: Uncertain significance for Breast-ovarian cancer, familial, susceptibility to, 2. Last evaluated: 2023-12-13. Review status: criteria provided, single submitter. Criteria: ACMG Guidelines, 2015. Collection method: clinical testing. Allele origin: germline. Inheritance: Autosomal dominant inheritance. Observed: 3 variant alleles, 3 heterozygotes.
Comment: This missense variant replaces histidine with tyrosine at codon 1071 of the BRCA2 protein. Computational prediction suggests that this variant may not impact protein structure and function (internally defined REVEL score threshold <= 0.5, PMID: 27666373). Splice site prediction tools suggest that this variant may not impact RNA splicing. To our knowledge, functional studies have not been reported for this variant. This variant has been reported in an individual affected with pancreatic cancer (PMID: 28767289). This variant has also been identified in 2/245560 chromosomes in the general population by the Genome Aggregation Database (gnomAD) and in 1 woman older than age 70 years with no personal history of cancer (FLOSSIES ). The available evidence is insufficient to determine the role of this variant in disease conclusively. Therefore, this variant is classified as a Variant of Uncertain Significance.

This study involves interpretation of variants in research participants for the purpose of population health screening. Participant phenotype was not available at the time of variant classification. Additional details can be found in publication PMID: 35346344, PMCID: PMC8962531

University of Washington Department of Laboratory Medicine, University of Washington
Classification: Likely benign for Hereditary cancer-predisposing syndrome. Last evaluated: 2023-03-23. Review status: criteria provided, single submitter. Criteria: Dines et al. (Genet Med. 2020). Collection method: curation. Allele origin: germline.
Comment: Missense variant in a coldspot region where missense variants are very unlikely to be pathogenic (PMID:31911673).

BRCA2 exon 11 coldspot. Reclassification based on statistical prior probability.

Ambry Genetics
Classification: Likely benign for Hereditary cancer-predisposing syndrome. Last evaluated: 2022-02-16. Review status: criteria provided, single submitter. Criteria: Ambry Variant Classification Scheme 2023. Collection method: clinical testing. Allele origin: germline.

Institute for Clinical Genetics, University Hospital TU Dresden, University Hospital TU Dresden
Classification: Uncertain significance. Last evaluated: 2021-11-03. Review status: criteria provided, single submitter. Criteria: ACMG Guidelines, 2015. Collection method: clinical testing. Allele origin: germline.

GeneDx
Classification: Uncertain significance. Last evaluated: 2014-10-20. Review status: criteria provided, single submitter. Criteria: GeneDx Variant Classification (06012015). Collection method: clinical testing. Allele origin: germline. Affected: yes.
Comment: This variant is denoted BRCA2 c.3211C>T at the cDNA level, p.His1071Tyr (H1071Y) at the protein level, and results in the change of a Histidine to a Tyrosine (CAT>TAT). This variant has not, to our knowledge, been published in the literature as pathogenic or benign. This variant has been reported in the Breast Cancer Information Core (BIC) database as having unknown clinical importance. BRCA2 His1071Tyr was not observed in approximately 6,500 individuals of European and African American ancestry in the NHLBI Exome Sequencing Project, indicating it is not a common benign variant in these populations. Since Histidine and Tyrosine differ in polarity, charge, size or other properties, this is considered a non-conservative amino acid substitution. BRCA2 His1071Tyr occurs at a position that is highly variable across species and is located in the RAD51 binding domain (Roy 2012). In silico analyses predict that this variant is unlikely to alter protein structure or function. Based on currently available information, it is unclear whether BRCA2 His1071Tyr is pathogenic or benign. We consider it to be a variant of uncertain significance.

Counsyl
Classification: Uncertain significance for Breast-ovarian cancer, familial, susceptibility to, 2. Last evaluated: 2016-10-27. Review status: no assertion criteria provided. Collection method: clinical testing. Allele origin: unknown. Not counted in ClinVar's aggregate classification.

Breast Cancer Information Core (BIC) (BRCA2)
Classification: Uncertain significance for Breast-ovarian cancer, familial 2. Last evaluated: 2004-02-20. Review status: no assertion criteria provided. Collection method: clinical testing. Allele origin: germline. Affected: yes. Observed: 2 variant alleles. Not counted in ClinVar's aggregate classification.

Literature cited by the submitters: PubMed 32659497 (cited by 4 submitters); PubMed 28767289 (cited by 5 submitters); PubMed 29309945 (cited by 4 submitters); PubMed 31131967 (cited by Color Diagnostics, LLC DBA Color Health and Ambry Genetics); PubMed 31853058 (cited by Color Diagnostics, LLC DBA Color Health); PubMed 31911673 (cited by Quest Diagnostics Nichols Institute San Juan Capistrano and Ambry Genetics); PubMed 28726806 (cited by Ambry Genetics).